The following is an entry in ClinVar:

NM_001009944.3(PKD1):c.2052dup (p.Glu685fs)

Gene: PKD1 (polycystin 1, transient receptor potential channel interacting; minus strand). Cytogenetic location: 16p13.3.
Variant type: Duplication.
Coding change: c.2052dup on transcript NM_001009944.3 (MANE Select); coding-DNA position 2052, one base duplicated (A; older notation c.2052dupA).
Protein change: p.Glu685fs; shifts the reading frame from glutamic acid 685.
Molecular consequence: frameshift variant.
Genome position (GRCh38, 1-based): chr16:2,115,423, T duplicated on the plus strand (A on the coding strand, the reverse complement: PKD1 is on the minus strand). VCF-style (leftmost placement, unchanged base first): chr16-2115422-C-CT. GRCh37 (hg19) VCF-style: chr16-2165423-C-CT.
Other names: c.2052dup, p.Glu685fs (NM_000296.4); short protein forms E685fs.
Identifiers: ClinVar variation 4531196 (VCV004531196.1).

ClinVar aggregate classification (germline): Pathogenic (1 of 4 stars; one submission).

Conditions:
Polycystic kidney disease, adult type (PKD1). Also called: Polycystic Kidney, Autosomal Dominant; POLYCYSTIC KIDNEY DISEASE, ADULT, TYPE I; Polycystic Kidney Disease 1, Autosomal Dominant; Polycystic kidney disease 1; Polycystic kidney disease 1, severe; POLYCYSTIC KIDNEY DISEASE 1 WITH OR WITHOUT POLYCYSTIC LIVER DISEASE. Identifiers: MedGen C3149841, MONDO:0008263, OMIM 173900.

Submission:

Juno Genomics, Hangzhou Juno Genomics, Inc
Classification: Pathogenic for Polycystic kidney disease, adult type. Review status: criteria provided, single submitter. Criteria: ACMG Guidelines, 2015. Collection method: clinical testing. Allele origin: germline. Affected: yes.
Comment: Absent from controls (or at extremely low frequency if recessive) in Genome Aggregation Database, Exome Sequencing Project, 1000 Genomes Project, or Exome Aggregation Consortium.;Null variant in a gene where loss of function (LOF) is a known mechanism of disease.;Patient's phenotype or family history is highly specific for a disease with a single genetic etiology.